The following is an entry in ClinVar:

ClinVar aggregate classification (germline): Uncertain significance (1 of 4 stars; one submission).

Conditions:
Ehlers-Danlos syndrome, classic type, 1 (EDSCL1). Also called: EHLERS-DANLOS SYNDROME, GRAVIS TYPE; EHLERS-DANLOS SYNDROME, SEVERE CLASSIC TYPE; Ehlers-Danlos syndrome, type 1; EDS I; Ehlers-Danlos Syndrome, Classic Type, COL5A1-Related. Identifiers: MedGen C0268335, MONDO:0019567, OMIM 130000.
Osteogenesis imperfecta type I (OI1). Also called: OI, TYPE I; OSTEOGENESIS IMPERFECTA TARDA; OSTEOGENESIS IMPERFECTA WITH BLUE SCLERAE; Osteogenesis imperfecta type 1; Lobstein's Disease; Lobstein disease. Identifiers: Orphanet 216796, Orphanet 666, MedGen C0023931, MONDO:0008146, OMIM 166200. Disease mechanism: loss of function.

Allele frequency attached by ClinVar (database versions not stated): gnomAD 0.00001; ExAC 0.00002; gnomAD exomes below 0.00001; TOPMed below 0.00001.

Submission:

Labcorp Genetics (formerly Invitae), Labcorp
Classification: Uncertain significance for Osteogenesis imperfecta type I; Ehlers-Danlos syndrome, classic type, 1. Last evaluated: 2025-10-17. Review status: criteria provided, single submitter. Criteria: Invitae Variant Classification Sherloc (09022015). Collection method: clinical testing. Allele origin: germline.
Comment: This sequence change replaces arginine, which is basic and polar, with cysteine, which is neutral and slightly polar, at codon 405 of the COL1A2 protein (p.Arg405Cys). This variant is present in population databases (rs749509413, gnomAD 0.007%). This variant has not been reported in the literature in individuals affected with COL1A2-related conditions. ClinVar contains an entry for this variant (Variation ID: 2083604). Invitae Evidence Modeling of protein sequence and biophysical properties (such as structural, functional, and spatial information, amino acid conservation, physicochemical variation, residue mobility, and thermodynamic stability) indicates that this missense variant is expected to disrupt COL1A2 protein function with a positive predictive value of 95%. In summary, the available evidence is currently insufficient to determine the role of this variant in disease. Therefore, it has been classified as a Variant of Uncertain Significance.

NM_000089.4(COL1A2):c.1213C>T (p.Arg405Cys)

Gene: COL1A2 (collagen type I alpha 2 chain; plus strand). Cytogenetic location: 7q21.3.
Variant type: single nucleotide variant.
Coding change: c.1213C>T on transcript NM_000089.4 (MANE Select); coding-DNA position 1213, C replaced by T.
Protein change: p.Arg405Cys; replaces arginine 405 with cysteine.
Molecular consequence: missense variant.
Genome position (GRCh38, 1-based): chr7:94,410,904, C>T. VCF-style: chr7-94410904-C-T. GRCh37 (hg19) VCF-style: chr7-94040216-C-T.
Other names: short protein forms R405C.
Identifiers: ClinVar variation 2083604 (VCV002083604.4), dbSNP rs749509413, ClinGen allele CA4346957.